The following is an entry in ClinVar:

NM_000126.4(ETFA):c.776A>G (p.Asn259Ser)

Gene: ETFA (electron transfer flavoprotein subunit alpha; minus strand). Cytogenetic location: 15q24.2.
Variant type: single nucleotide variant.
Coding change: c.776A>G on transcript NM_000126.4 (MANE Select); coding-DNA position 776, A replaced by G.
Protein change: p.Asn259Ser; replaces asparagine 259 with serine.
Molecular consequence: missense variant.
Genome position (GRCh38, 1-based): chr15:76,274,452, T>C on the plus strand (A>G on the coding strand, the complement: ETFA is on the minus strand). VCF-style: chr15-76274452-T-C. GRCh37 (hg19) VCF-style: chr15-76566793-T-C.
Other names: c.629A>G, p.Asn210Ser (NM_001127716.2); short protein forms N210S, N259S.
Identifiers: ClinVar variation 1712210 (VCV001712210.2), dbSNP rs897415970, ClinGen allele CA273694802.

ClinVar aggregate classification (germline): Uncertain significance (1 of 4 stars; one submission).

Allele frequency attached by ClinVar (database versions not stated): gnomAD exomes below 0.00001; TOPMed 0.00001.

Submission:

GeneDx
Classification: Uncertain significance. Last evaluated: 2022-04-18. Review status: criteria provided, single submitter. Criteria: GeneDx Variant Classification Process June 2021. Collection method: clinical testing. Allele origin: germline. Affected: yes.
Comment: Not observed at significant frequency in large population cohorts (gnomAD); In silico analysis supports that this missense variant has a deleterious effect on protein structure/function; Has not been previously published as pathogenic or benign to our knowledge